The following is an entry in ClinVar:

ClinVar aggregate classification (germline): Pathogenic. Review status: criteria provided, multiple submitters, no conflicts (2 of 4 stars). 6 submissions from 6 submitters: Pathogenic (4). 2 of the submissions do not count toward it. Last evaluated 2026-08-17.

Conditions:
COL2A1-related disorder. Also called: COL2A1-related condition; COL2A1-related disorders.
Retinal disorder. Also called: Retinopathies; Retinal Diseases; Retinopathy; Retinal disorders. Identifiers: MedGen C0035309, MONDO:0005283, HP:0000488.

gnomAD v4.1: 1 of 1,613,196 alleles (0.000062%); no homozygotes.

Submissions (6):

Genetics Laboratory, Great Ormond Street Hospital NHS Foundation Trust, North Thames Genomic Laboratory Hub
Classification: Pathogenic for Retinal disorders. Last evaluated: 2026-08-17. Review status: criteria provided, single submitter. Criteria: ACGS Best Practice Guidelines for Variant Classification in Rare Disease 2024 v1.2. Collection method: clinical testing. Allele origin: germline. Affected: yes.
Comment: PS4_moderate, PM2_moderate, PVS1_very-strong

Labcorp Genetics (formerly Invitae), Labcorp
Classification: Pathogenic. Last evaluated: 2025-08-10. Review status: criteria provided, single submitter. Criteria: Invitae Variant Classification Sherloc (09022015). Collection method: clinical testing. Allele origin: germline.
Comment: This sequence change creates a premature translational stop signal (p.Arg344*) in the COL2A1 gene. It is expected to result in an absent or disrupted protein product. Loss-of-function variants in COL2A1 are known to be pathogenic (PMID: 20179744). This variant is not present in population databases (gnomAD no frequency). This premature translational stop signal has been observed in individual(s) with autosomal dominant Stickler syndrome (PMID: 12544472, 31736238). It has also been observed to segregate with disease in related individuals. This variant is also known as R144X. ClinVar contains an entry for this variant (Variation ID: 620125). For these reasons, this variant has been classified as Pathogenic.

GeneDx
Classification: Pathogenic. Last evaluated: 2024-08-02. Review status: criteria provided, single submitter. Criteria: GeneDx Variant Classification Process June 2021. Collection method: clinical testing. Allele origin: germline. Affected: yes.
Comment: Not observed at significant frequency in large population cohorts (gnomAD); Nonsense variant predicted to result in protein truncation or nonsense mediated decay in a gene for which loss of function is a known mechanism of disease; This variant is associated with the following publications: (PMID: 26443184, 20513134, 31736238, 35616356, 12544472)

Blueprint Genetics
Classification: Pathogenic for COL2A1-related disorders. Last evaluated: 2021-11-11. Review status: criteria provided, single submitter. Criteria: ACMG Guidelines, 2015. Collection method: clinical testing. Allele origin: germline. Affected: yes. Observed: 2 variant alleles.

Clinical Genetics, Academic Medical Center
Classification: Pathogenic. Review status: no assertion criteria provided. Collection method: clinical testing. Allele origin: germline. Affected: yes. Study: VKGL Data-share Consensus. Not counted in ClinVar's aggregate classification.

Joint Genome Diagnostic Labs from Nijmegen and Maastricht, Radboudumc and MUMC+
Classification: Pathogenic. Review status: no assertion criteria provided. Collection method: clinical testing. Allele origin: germline. Affected: yes. Study: VKGL Data-share Consensus. Not counted in ClinVar's aggregate classification.

Literature cited by the submitters: PubMed 20179744 (cited by Labcorp Genetics (formerly Invitae), Labcorp); PubMed 12544472 (cited by Labcorp Genetics (formerly Invitae), Labcorp); PubMed 31736238 (cited by Labcorp Genetics (formerly Invitae), Labcorp).

NM_001844.5(COL2A1):c.1030C>T (p.Arg344Ter)

Gene: COL2A1 (collagen type II alpha 1 chain; minus strand). Cytogenetic location: 12q13.11.
Variant type: single nucleotide variant.
Coding change: c.1030C>T on transcript NM_001844.5 (MANE Select); coding-DNA position 1030, C replaced by T.
Protein change: p.Arg344Ter; replaces arginine 344 with a stop codon.
Molecular consequence: nonsense.
Genome position (GRCh38, 1-based): chr12:47,989,799, G>A on the plus strand (C>T on the coding strand, the complement: COL2A1 is on the minus strand). VCF-style: chr12-47989799-G-A. GRCh37 (hg19) VCF-style: chr12-48383582-G-A.
Other names: c.823C>T, p.Arg275Ter (NM_033150.3); short protein forms R344*, R275*.
Identifiers: ClinVar variation 620125 (VCV000620125.13), dbSNP rs1565686896, ClinGen allele CA384555484.